The following is an entry in ClinVar:

NM_007294.4(BRCA1):c.1612C>G (p.Gln538Glu)

Gene: BRCA1 (BRCA1 DNA repair associated; minus strand). Cytogenetic location: 17q21.31.
Variant type: single nucleotide variant.
Coding change: c.1612C>G on transcript NM_007294.4 (MANE Select); coding-DNA position 1612, C replaced by G.
Protein change: p.Gln538Glu; replaces glutamine 538 with glutamic acid.
Molecular consequence: missense variant. On other transcripts: intron variant (137).
Genome position (GRCh38, 1-based): chr17:43,093,919, G>C on the plus strand (C>G on the coding strand, the complement: BRCA1 is on the minus strand). VCF-style: chr17-43093919-G-C. GRCh37 (hg19) VCF-style: chr17-41245936-G-C.
Other names: c.1399C>G, p.Gln467Glu (NM_001407571.1, NM_001407896.1, NM_001407897.1 and 9 more transcripts); c.1612C>G, p.Gln538Glu (NM_001407581.1, NM_001407582.1, NM_001407583.1 and 30 more transcripts); c.1609C>G, p.Gln537Glu (NM_001407587.1, NM_001407590.1, NM_001407591.1 and 22 more transcripts); c.1603C>G, p.Gln535Glu (NM_001407646.1, NM_001407647.1); c.1489C>G, p.Gln497Glu (NM_001407648.1, NM_001407666.1, NM_001407667.1 and 19 more transcripts); c.1486C>G, p.Gln496Glu (NM_001407649.1, NM_001407670.1, NM_001407671.1 and 11 more transcripts); c.1534C>G, p.Gln512Glu (NM_001407653.1, NM_001407654.1, NM_001407655.1 and 4 more transcripts); c.1471C>G, p.Gln491Glu (NM_001407692.1, NM_001407694.1, NM_001407730.1 and 29 more transcripts); and 40 more; short protein forms Q538E, Q491E, Q427E, Q490E, Q511E, Q535E, Q537E, Q450E.
Identifiers: ClinVar variation 1484187 (VCV001484187.12), dbSNP rs80356893, ClinGen allele CA10598817.

ClinVar aggregate classification (germline): Conflicting classifications of pathogenicity. Review status: criteria provided, conflicting classifications (1 of 4 stars). 3 submissions from 3 submitters: Uncertain significance (2); Likely benign (1). Last evaluated 2026-06-16.

Conditions:
Hereditary breast ovarian cancer syndrome. Also called: Hereditary breast and ovarian cancer; Hereditary breast and/or ovarian cancer syndrome; Breast and ovarian cancer; Hereditary breast and ovarian cancer syndrome; Hereditary breast and ovarian cancer syndrome (HBOC); BRCA1- and BRCA2-Associated Hereditary Breast and Ovarian Cancer. Identifiers: Orphanet 145, MedGen C0677776, MeSH D061325, MONDO:0003582. Disease mechanism: loss of function.
Hereditary cancer-predisposing syndrome. Also called: Hereditary Cancer Syndrome; Tumor predisposition; Neoplastic Syndromes, Hereditary; Hereditary neoplastic syndrome. Identifiers: Orphanet 140162, MedGen C0027672, MeSH D009386, MONDO:0015356.

Submissions (3):

Ambry Genetics
Classification: Uncertain significance for Hereditary cancer-predisposing syndrome. Last evaluated: 2026-06-16. Review status: criteria provided, single submitter. Criteria: Ambry Variant Classification Scheme 2023. Collection method: clinical testing. Allele origin: germline.
Comment: The p.Q538E variant (also known as c.1612C>G), located in coding exon 9 of the BRCA1 gene, results from a C to G substitution at nucleotide position 1612. The glutamine at codon 538 is replaced by glutamic acid, an amino acid with highly similar properties. This amino acid position is not well conserved in available vertebrate species. In addition, the in silico prediction for this alteration is inconclusive. Based on the available evidence, the clinical significance of this variant remains unclear.

Labcorp Genetics (formerly Invitae), Labcorp
Classification: Uncertain significance for Hereditary breast ovarian cancer syndrome. Last evaluated: 2024-06-30. Review status: criteria provided, single submitter. Criteria: Invitae Variant Classification Sherloc (09022015). Collection method: clinical testing. Allele origin: germline.
Comment: This sequence change replaces glutamine, which is neutral and polar, with glutamic acid, which is acidic and polar, at codon 538 of the BRCA1 protein (p.Gln538Glu). This variant is not present in population databases (gnomAD no frequency). This variant has not been reported in the literature in individuals affected with BRCA1-related conditions. ClinVar contains an entry for this variant (Variation ID: 1484187). Advanced modeling of protein sequence and biophysical properties (such as structural, functional, and spatial information, amino acid conservation, physicochemical variation, residue mobility, and thermodynamic stability) performed at Invitae indicates that this missense variant is not expected to disrupt BRCA1 protein function with a negative predictive value of 95%. In summary, the available evidence is currently insufficient to determine the role of this variant in disease. Therefore, it has been classified as a Variant of Uncertain Significance.

University of Washington Department of Laboratory Medicine, University of Washington
Classification: Likely benign for Hereditary cancer-predisposing syndrome. Last evaluated: 2023-03-23. Review status: criteria provided, single submitter. Criteria: Dines et al. (Genet Med. 2020). Collection method: curation. Allele origin: germline.
Comment: Missense variant in a coldspot region where missense variants are very unlikely to be pathogenic (PMID:31911673).

BRCA1 coldspot (exon 11 using historical exon numbering). Reclassification based on statistical prior probability